The following is an entry in ClinVar:

ClinVar aggregate classification (germline): Uncertain significance (1 of 4 stars; one submission).

Conditions:
Joubert syndrome. Also called: JOUBERT-BOLTSHAUSER SYNDROME; Familial aplasia of the vermis. Identifiers: Orphanet 475, MedGen C5979921, MONDO:0018772.
Meckel-Gruber syndrome. Also called: DYSENCEPHALIA SPLANCHNOCYSTICA; GRUBER SYNDROME; Dysencephalia splachnocystica. Identifiers: Orphanet 564, MedGen C0265215, MONDO:0018921.

Allele frequency attached by ClinVar (database versions not stated): gnomAD exomes below 0.00001.
gnomAD v4.1: 2 of 1,591,852 alleles (0.00013%); highest among the groups gnomAD compares: East Asian, 0.0022%; no homozygotes.

Submission:

Labcorp Genetics (formerly Invitae), Labcorp
Classification: Uncertain significance for Joubert syndrome; Meckel-Gruber syndrome. Last evaluated: 2024-10-29. Review status: criteria provided, single submitter. Criteria: Invitae Variant Classification Sherloc (09022015). Collection method: clinical testing. Allele origin: germline.
Comment: This sequence change falls in intron 37 of the CC2D2A gene. It does not directly change the encoded amino acid sequence of the CC2D2A protein. It affects a nucleotide within the consensus splice site. This variant is present in population databases (no rsID available, gnomAD 0.006%). This variant has not been reported in the literature in individuals affected with CC2D2A-related conditions. ClinVar contains an entry for this variant (Variation ID: 1375994). Variants that disrupt the consensus splice site are a relatively common cause of aberrant splicing (PMID: 17576681, 9536098). Algorithms developed to predict the effect of sequence changes on RNA splicing suggest that this variant is not likely to affect RNA splicing. In summary, the available evidence is currently insufficient to determine the role of this variant in disease. Therefore, it has been classified as a Variant of Uncertain Significance.

Literature cited by the submitters: PubMed 17576681; PubMed 9536098.

NM_001378615.1(CC2D2A):c.4674+6T>C

Genes: FBXL5 (F-box and leucine rich repeat protein 5; minus strand), CC2D2A (coiled-coil and C2 domain containing 2A; plus strand). Cytogenetic location: 4p15.32.
Variant type: single nucleotide variant.
Coding change: c.4674+6T>C on transcript NM_001378615.1 (MANE Select); 6 bases into the intron after coding-DNA position 4674, T replaced by C.
Molecular consequence: intron variant.
Genome position (GRCh38, 1-based): chr4:15,599,712, T>C. VCF-style: chr4-15599712-T-C. GRCh37 (hg19) VCF-style: chr4-15601335-T-C.
Other names: c.4527+6T>C (NM_001378617.1); c.4674+6T>C (NM_001080522.2).
Identifiers: ClinVar variation 1375994 (VCV001375994.6), dbSNP rs1340397034, ClinGen allele CA550187426.